The following is an entry in ClinVar:

ClinVar aggregate classification (germline): Conflicting classifications of pathogenicity. Review status: criteria provided, conflicting classifications (1 of 4 stars). 5 submissions from 5 submitters: Uncertain significance (1); Likely benign (2). 2 of the submissions do not count toward it. Last evaluated 2025-12-23.

Conditions:
BIVM-ERCC5-related disorder. Also called: BIVM-ERCC5-related condition.
Cerebrooculofacioskeletal syndrome 3 (COFS3). Identifiers: MedGen C1851443, MONDO:0014696, OMIM 616570.

Allele frequency attached by ClinVar (database versions not stated): gnomAD 0.00013 and 0.00011; TOPMed 0.00029; ExAC 0.00036; gnomAD exomes 0.00045 and 0.00012.
gnomAD v4.1: 199 of 1,614,076 alleles (0.012%); highest among the groups gnomAD compares: Admixed American, 0.23%; no homozygotes.

Submissions (5):

Labcorp Genetics (formerly Invitae), Labcorp
Classification: Likely benign. Last evaluated: 2025-12-23. Review status: criteria provided, single submitter. Criteria: Invitae Variant Classification Sherloc (09022015). Collection method: clinical testing. Allele origin: germline.

Blueprint Genetics
Classification: Likely benign. Last evaluated: 2023-11-06. Review status: criteria provided, single submitter. Criteria: ACMG Guidelines, 2015. Collection method: clinical testing. Allele origin: germline.

Baylor Genetics
Classification: Uncertain significance for Cerebrooculofacioskeletal syndrome 3. Last evaluated: 2019-10-11. Review status: criteria provided, single submitter. Criteria: ACMG Guidelines, 2015. Collection method: clinical testing. Allele origin: unknown. Affected: yes. Study: CSER-TexasKidsCanSeq.
Comment: This variant was determined to be of uncertain significance according to ACMG Guidelines, 2015 [PMID:25741868].

PreventionGenetics, part of Exact Sciences
Classification: Likely benign for BIVM-ERCC5-related condition. Last evaluated: 2022-05-23. Review status: no assertion criteria provided. Collection method: clinical testing. Allele origin: germline. Not counted in ClinVar's aggregate classification.
Comment: This variant is classified as likely benign based on ACMG/AMP sequence variant interpretation guidelines (Richards et al. 2015 PMID: 25741868, with internal and published modifications).

ITMI
No classification provided. Condition: AllHighlyPenetrant. Last evaluated: 2013-09-19. Review status: no classification provided. Collection method: reference population. Allele origin: germline. Not counted in ClinVar's aggregate classification.
Comment: Please see associated publication for description of ethnicities

Literature cited by the submitters: PubMed 24728327 (cited by ITMI).

NM_000123.4(ERCC5):c.3038A>G (p.Gln1013Arg)

Genes: BIVM-ERCC5 (BIVM-ERCC5 readthrough; plus strand), ERCC5 (ERCC excision repair 5, endonuclease; plus strand). Cytogenetic location: 13q33.1.
Variant type: single nucleotide variant.
Coding change: c.3038A>G on transcript NM_000123.4 (MANE Select); coding-DNA position 3038, A replaced by G.
Protein change: p.Gln1013Arg; replaces glutamine 1013 with arginine.
Molecular consequence: missense variant.
Genome position (GRCh38, 1-based): chr13:102,875,380, A>G. VCF-style: chr13-102875380-A-G. GRCh37 (hg19) VCF-style: chr13-103527730-A-G.
Other names: c.4400A>G, p.Gln1467Arg (NM_001204425.2); short protein forms Q1013R, Q1467R.
Identifiers: ClinVar variation 134167 (VCV000134167.13), dbSNP rs587778292, ClinGen allele CA158970.